The following is an entry in ClinVar:

ClinVar aggregate classification (germline): Conflicting classifications of pathogenicity. Review status: criteria provided, conflicting classifications (1 of 4 stars). 4 submissions from 4 submitters: Uncertain significance (1); Likely benign (3). Last evaluated 2024-01-29.

Conditions:
Developmental and epileptic encephalopathy, 12 (DEE12). Identifiers: MedGen C3150988, MONDO:0013389, OMIM 613722.
Microcephaly, seizures, and developmental delay. Identifiers: Orphanet 1934, MedGen C3150667, MONDO:0013254, OMIM 613402.

gnomAD v4.1: 9 of 1,613,820 alleles (0.00056%); highest among the groups gnomAD compares: African/African-American, 0.0013%; no homozygotes.

Submissions (4):

Labcorp Genetics (formerly Invitae), Labcorp
Classification: Likely benign for Developmental and epileptic encephalopathy, 12. Last evaluated: 2024-01-29. Review status: criteria provided, single submitter. Criteria: Invitae Variant Classification Sherloc (09022015). Collection method: clinical testing. Allele origin: germline.

CeGaT Center for Human Genetics Tuebingen
Classification: Likely benign. Last evaluated: 2023-04-01. Review status: criteria provided, single submitter. Criteria: CeGaT Center For Human Genetics Tuebingen Variant Classification Criteria Version 2. Collection method: clinical testing. Allele origin: germline. Affected: yes. Observed: 1 variant allele.
Comment: PNKP: BP4, BP7

GeneDx
Classification: Likely benign. Last evaluated: 2016-10-04. Review status: criteria provided, single submitter. Criteria: GeneDx Variant Classification (06012015). Collection method: clinical testing. Allele origin: germline. Affected: yes.
Comment: This variant is considered likely benign or benign based on one or more of the following criteria: it is a conservative change, it occurs at a poorly conserved position in the protein, it is predicted to be benign by multiple in silico algorithms, and/or has population frequency not consistent with disease.

Genetic Services Laboratory, University of Chicago
Classification: Uncertain significance for Epileptic encephalopathy, early infantile, 10. Last evaluated: 2013-06-06. Review status: criteria provided, single submitter. Criteria: ACMG Guidelines, 2007. Collection method: clinical testing. Allele origin: germline. Inheritance: Autosomal recessive inheritance.

NM_007254.4(PNKP):c.666C>T (p.Ile222=)

Gene: PNKP (polynucleotide kinase 3'-phosphatase; minus strand). Cytogenetic location: 19q13.33.
Variant type: single nucleotide variant.
Coding change: c.666C>T on transcript NM_007254.4 (MANE Select); coding-DNA position 666, C replaced by T.
Protein change: p.Ile222=; no amino-acid change (isoleucine 222 retained).
Molecular consequence: synonymous variant.
Genome position (GRCh38, 1-based): chr19:49,864,042, G>A on the plus strand (C>T on the coding strand, the complement: PNKP is on the minus strand). VCF-style: chr19-49864042-G-A. GRCh37 (hg19) VCF-style: chr19-50367299-G-A.
Identifiers: ClinVar variation 159798 (VCV000159798.38), dbSNP rs587784369, ClinGen allele CA251158.